The following is an entry in ClinVar:

NM_012418.4(FSCN2):c.818_819del (p.Val273fs)

Gene: FSCN2 (fascin actin-bundling protein 2, retinal; plus strand). Cytogenetic location: 17q25.3.
Variant type: Microsatellite.
Coding change: c.818_819del on transcript NM_012418.4 (MANE Select); coding-DNA positions 818 to 819, 2 bases deleted (TG; older notation c.818_819delTG).
Protein change: p.Val273fs; shifts the reading frame from valine 273.
Molecular consequence: frameshift variant.
Genome position (GRCh38, 1-based): chr17:81,529,349-81,529,350, TG deleted; deleting any 2 consecutive bases within chr17:81,529,347-81,529,350 gives the same sequence; the c. name uses the placement nearest the transcript's 3' end. VCF-style (leftmost placement, unchanged base first): chr17-81529346-CTG-C. GRCh37 (hg19) VCF-style: chr17-79496372-CTG-C.
Other names: c.818_819del, p.Val273fs (NM_001077182.3); short protein forms V273fs.
Identifiers: ClinVar variation 2021746 (VCV002021746.4), dbSNP rs2544427964, ClinGen allele CA2580613258.
Genomic context (GRCh38, chr17:81,529,346, plus strand): 5'-TTGATCTGGAGGAGAGTCACCCACAGGTGGTGCTGGTGGCTGCCAACCACCGCTACGTCT[CTG>C]TGCGGCAAGGTAGGGAGGGCACAGGTGGCGACCTCCTGAGGGGTGCTGGGACCCCCCTGC-3'

ClinVar aggregate classification (germline): Uncertain significance (1 of 4 stars; one submission).

Submission:

Labcorp Genetics (formerly Invitae), Labcorp
Classification: Uncertain significance. Last evaluated: 2025-12-16. Review status: criteria provided, single submitter. Criteria: Invitae Variant Classification Sherloc (09022015). Collection method: clinical testing. Allele origin: germline.
Comment: This sequence change creates a premature translational stop signal (p.Val273Alafs*12) in the FSCN2 gene. It is expected to result in an absent or disrupted protein product. However, the current clinical and genetic evidence is not sufficient to establish whether loss-of-function variants in FSCN2 cause disease. This variant is not present in population databases (gnomAD no frequency). This variant has not been reported in the literature in individuals affected with FSCN2-related conditions. In summary, the available evidence is currently insufficient to determine the role of this variant in disease. Therefore, it has been classified as a Variant of Uncertain Significance.